The following is an entry in ClinVar:

NM_007194.4(CHEK2):c.1577A>C (p.Glu526Ala)

Gene: CHEK2 (checkpoint kinase 2; minus strand). Cytogenetic location: 22q12.1.
Variant type: single nucleotide variant.
Coding change: c.1577A>C on transcript NM_007194.4 (MANE Select); coding-DNA position 1577, A replaced by C.
Protein change: p.Glu526Ala; replaces glutamic acid 526 with alanine.
Molecular consequence: missense variant.
Genome position (GRCh38, 1-based): chr22:28,687,952, T>G on the plus strand (A>C on the coding strand, the complement: CHEK2 is on the minus strand). VCF-style: chr22-28687952-T-G. GRCh37 (hg19) VCF-style: chr22-29083940-T-G.
Other names: c.1706A>C, p.Glu569Ala (NM_001005735.3); c.914A>C, p.Glu305Ala (NM_001257387.3); c.1376A>C, p.Glu459Ala (NM_001349956.3); c.1490A>C, p.Glu497Ala (NM_145862.3); short protein forms E305A, E459A, E526A, E497A, E569A.
Identifiers: ClinVar variation 1775610 (VCV001775610.7), dbSNP rs746341976, ClinGen allele CA411091269.

ClinVar aggregate classification (germline): Uncertain significance. Review status: criteria provided, multiple submitters, no conflicts (2 of 4 stars). 2 submissions from 2 submitters: Uncertain significance (2). Last evaluated 2023-10-24.

Conditions:
Hereditary cancer-predisposing syndrome. Also called: Neoplastic Syndromes, Hereditary; Tumor predisposition; Hereditary Cancer Syndrome; Hereditary neoplastic syndrome. Identifiers: Orphanet 140162, MedGen C0027672, MeSH D009386, MONDO:0015356.
Familial cancer of breast. Also called: BREAST CANCER, FAMILIAL; Hereditary breast cancer; hereditary breast carcinoma. Identifiers: Orphanet 227535, MedGen C0346153, MONDO:0016419, OMIM 114480. Disease mechanism: loss of function.

Submissions (2):

Labcorp Genetics (formerly Invitae), Labcorp
Classification: Uncertain significance for Familial cancer of breast. Last evaluated: 2023-10-24. Review status: criteria provided, single submitter. Criteria: Invitae Variant Classification Sherloc (09022015). Collection method: clinical testing. Allele origin: germline.
Comment: This sequence change replaces glutamic acid, which is acidic and polar, with alanine, which is neutral and non-polar, at codon 526 of the CHEK2 protein (p.Glu526Ala). This variant is not present in population databases (gnomAD no frequency). This variant has not been reported in the literature in individuals affected with CHEK2-related conditions. ClinVar contains an entry for this variant (Variation ID: 1775610). An algorithm developed to predict the effect of missense changes on protein structure and function (PolyPhen-2) suggests that this variant is likely to be tolerated. In summary, the available evidence is currently insufficient to determine the role of this variant in disease. Therefore, it has been classified as a Variant of Uncertain Significance.

Ambry Genetics
Classification: Uncertain significance for Hereditary cancer-predisposing syndrome. Last evaluated: 2022-04-22. Review status: criteria provided, single submitter. Criteria: Ambry Variant Classification Scheme 2023. Collection method: clinical testing. Allele origin: germline.
Comment: The p.E526A variant (also known as c.1577A>C), located in coding exon 14 of the CHEK2 gene, results from an A to C substitution at nucleotide position 1577. The glutamic acid at codon 526 is replaced by alanine, an amino acid with dissimilar properties. This amino acid position is conserved. In addition, this alteration is predicted to be tolerated by in silico analysis. Since supporting evidence is limited at this time, the clinical significance of this alteration remains unclear.